The following is an entry in ClinVar:

ClinVar aggregate classification (germline): Conflicting classifications of pathogenicity. Review status: criteria provided, conflicting classifications (1 of 4 stars). 9 submissions from 9 submitters: Uncertain significance (1); Benign (2); Likely benign (6). Last evaluated 2026-09-01.

Conditions:
Hereditary cancer-predisposing syndrome. Also called: Hereditary neoplastic syndrome; Tumor predisposition; Neoplastic Syndromes, Hereditary; Hereditary Cancer Syndrome. Identifiers: Orphanet 140162, MedGen C0027672, MeSH D009386, MONDO:0015356.
Tuberous sclerosis syndrome (TSC). Also called: Tuberous Sclerosis Complex; Tuberous sclerosis. Identifiers: Orphanet 805, MedGen C0041341, MONDO:0001734.
Tuberous sclerosis 2 (TSC2). Identifiers: Orphanet 805, MedGen C1860707, MONDO:0013199, OMIM 613254.

Allele frequency attached by ClinVar (database versions not stated): gnomAD 0.00001; gnomAD exomes 0.00001; TOPMed 0.00001; 1000 Genomes Project 30x 0.00016; 1000 Genomes Project 0.00020.
gnomAD v4.1: 9 of 1,613,110 alleles (0.00056%); highest among the groups gnomAD compares: Admixed American, 0.0083%; no homozygotes.

Submissions (9):

CeGaT Center for Human Genetics Tuebingen
Classification: Likely benign. Last evaluated: 2026-09-01. Review status: criteria provided, single submitter. Criteria: CeGaT Center For Human Genetics Tuebingen Variant Classification Criteria Version 2. Collection method: clinical testing. Allele origin: germline. Affected: yes. Observed: 1 variant allele.
Comment: TSC2: BP4, BP7

Labcorp Genetics (formerly Invitae), Labcorp
Classification: Likely benign for Tuberous sclerosis 2. Last evaluated: 2025-10-13. Review status: criteria provided, single submitter. Criteria: Invitae Variant Classification Sherloc (09022015). Collection method: clinical testing. Allele origin: germline.

Myriad Genetics, Inc.
Classification: Benign for Tuberous sclerosis 2. Last evaluated: 2025-05-20. Review status: criteria provided, single submitter. Criteria: Myriad Autosomal Dominant, Autosomal Recessive and X-Linked Classification Criteria (2023). Collection method: clinical testing. Allele origin: unknown.
Comment: This variant is considered benign. This variant is a silent/synonymous amino acid change and it is not expected to impact splicing.

All of Us Research Program, National Institutes of Health
Classification: Likely benign for Tuberous sclerosis syndrome. Last evaluated: 2024-01-11. Review status: criteria provided, single submitter. Criteria: ACMG Guidelines, 2015. Collection method: clinical testing. Allele origin: germline. Inheritance: Autosomal dominant inheritance. Observed: 3 variant alleles, 3 heterozygotes.
Comment: This study involves interpretation of variants in research participants for the purpose of population health screening. Participant phenotype was not available at the time of variant classification. Additional details can be found in publication PMID: 35346344, PMCID: PMC8962531

Color Diagnostics, LLC DBA Color Health
Classification: Likely benign for Tuberous sclerosis syndrome. Last evaluated: 2022-09-26. Review status: criteria provided, single submitter. Criteria: ACMG Guidelines, 2015. Collection method: clinical testing. Allele origin: germline.

Genome-Nilou Lab
Classification: Benign for Tuberous sclerosis 2. Last evaluated: 2021-11-07. Review status: criteria provided, single submitter. Criteria: ACMG Guidelines, 2015. Collection method: clinical testing. Allele origin: germline. Affected: no.

Sema4
Classification: Uncertain significance for Hereditary cancer-predisposing syndrome. Last evaluated: 2021-07-11. Review status: criteria provided, single submitter. Criteria: Sema4 Curation Guidelines. Collection method: curation. Allele origin: germline.
Comment: The TSC2 c.2467C>T (p.L823=) variant has not been reported in the literature to our knowledge. It was observed in 2/34580 chromosomes of the Latino subpopulation in the large and broad cohorts of the Genome Aggregation Database. The variant has been reported in ClinVar (Variation ID 467946). The position is moderately conserved, and in silico tools suggest that the variant does not impact splicing, though these predictions have not been confirmed by functional studies. The evidence is insufficient to meet ACMG/AMP criteria for classifying the variant as benign or pathogenic. Thus, the clinical significance of this variant is currently uncertain.

GeneDx
Classification: Likely benign. Last evaluated: 2019-03-01. Review status: criteria provided, single submitter. Criteria: GeneDx Variant Classification Process June 2021. Collection method: clinical testing. Allele origin: germline. Affected: yes.

Ambry Genetics
Classification: Likely benign for Hereditary cancer-predisposing syndrome. Last evaluated: 2018-03-20. Review status: criteria provided, single submitter. Criteria: Ambry Variant Classification Scheme 2023. Collection method: clinical testing. Allele origin: germline.

NM_000548.5(TSC2):c.2467C>T (p.Leu823=)

Gene: TSC2 (TSC complex subunit 2; plus strand). Cytogenetic location: 16p13.3.
Variant type: single nucleotide variant.
Coding change: c.2467C>T on transcript NM_000548.5 (MANE Select); coding-DNA position 2467, C replaced by T.
Protein change: p.Leu823=; no amino-acid change (leucine 823 retained).
Molecular consequence: synonymous variant.
Genome position (GRCh38, 1-based): chr16:2,074,311, C>T. VCF-style: chr16-2074311-C-T. GRCh37 (hg19) VCF-style: chr16-2124312-C-T.
Other names: c.2467C>T, p.Leu823= (NM_001077183.3, NM_001114382.3, NM_001363528.2 and 3 more transcripts); c.2356C>T, p.Leu786= (NM_001318827.2); c.2320C>T, p.Leu774= (NM_001318829.2); c.1867C>T, p.Leu623= (NM_001318831.2); c.2500C>T, p.Leu834= (NM_001318832.2).
Identifiers: ClinVar variation 467946 (VCV000467946.25), dbSNP rs554509064, ClinGen allele CA276740864.
Genomic context (GRCh38, chr16:2,074,311, plus strand): 5'-CAGTGCGTCGTGGCCTTGTCCATCTGCAGCGTGGAGATGCCTGACATCATCATCAAGGCG[C>T]TGCCTGTTCTGGTGGTGAAGCTCACGCACATCTCAGCCACAGCCAGCATGGCCGTCCCAC-3'
Protein context (NP_000539.2, residues 813-833): VEMPDIIIKA[Leu823=]PVLVVKLTHI